The following is an entry in ClinVar:

NM_001031710.3(KLHL7):c.1463G>A (p.Gly488Asp)

Gene: KLHL7 (kelch like family member 7; plus strand). Cytogenetic location: 7p15.3.
Variant type: single nucleotide variant.
Coding change: c.1463G>A on transcript NM_001031710.3 (MANE Select); coding-DNA position 1463, G replaced by A.
Protein change: p.Gly488Asp; replaces glycine 488 with aspartic acid.
Molecular consequence: missense variant. On other transcripts: non-coding transcript variant (1).
Genome position (GRCh38, 1-based): chr7:23,173,031, G>A. VCF-style: chr7-23173031-G-A. GRCh37 (hg19) VCF-style: chr7-23212650-G-A.
Other names: c.1319G>A, p.Gly440Asp (NM_018846.5); short protein forms G440D, G488D.
Identifiers: ClinVar variation 3376595 (VCV003376595.1).
Genomic context (GRCh38, chr7:23,173,031, plus strand): 5'-TTGAAGCCAGGAAGAATCATGGGCTGGTATTTGTAAAAGACAAGATATTTGCTGTGGGTG[G>A]TCAGAATGGTTTAGGTATGTGATGTTAATTCACTGTTCCACTTTCCTGATGAGTTTGCTG-3'
Protein context (NP_001026880.2, residues 478-498): FVKDKIFAVG[Gly488Asp]QNGLGGLDNV

ClinVar aggregate classification (germline): Uncertain significance (1 of 4 stars; one submission).

Conditions:
PERCHING syndrome (PERCHING). Also called: Cold-induced sweating syndrome 3. Identifiers: Orphanet 157820, Orphanet 603684, MedGen C4310742, MONDO:0014890, OMIM 617055.

gnomAD v4.1: 2 of 1,612,840 alleles (0.00012%); highest among the groups gnomAD compares: Non-Finnish European, 0.000085%; no homozygotes.

Submission:

Victorian Clinical Genetics Services, Murdoch Childrens Research Institute
Classification: Uncertain significance for PERCHING syndrome. Last evaluated: 2024-10-08. Review status: criteria provided, single submitter. Criteria: ACMG Guidelines, 2015. Collection method: clinical testing. Allele origin: germline. Inheritance: Autosomal recessive inheritance. Affected: yes.
Comment: Based on the classification scheme VCGS_Germline_v1.3.4, this variant is classified as VUS-3A. Following criteria are met: 0102 - Loss of function is a known mechanism of disease in this gene and is associated with PERCHING syndrome (MIM#617055), while dominant-negative is suggested for retinitis pigmentosa 42 (MIM#612943) (PMID: 21828050). (I) 0108 - This gene is associated with both recessive and dominant disease. Autosomal dominant retinitis pigmentosa 42 (MIM#612943) is caused by missense variants clustered within the BTD/BACK domains in the N-terminus of the protein, while autosomal recessive PERCHING syndrome (MIM#617055) is mostly associated with null variants (PMID: 31953236, 30300710). (I) 0115 - Variants in this gene are known to have variable expressivity. Intra-familial variability has been reported (PMID: 30300710). (I) 0200 - Variant is predicted to result in a missense amino acid change from glycine to aspartic acid. (I) 0252 - This variant is homozygous. (I) 0301 - Variant is absent from gnomAD (both v2 and v3). (SP) 0501 - Missense variant consistently predicted to be damaging by multiple in silico tools or highly conserved with a major amino acid change. (SP) 0600 - Variant is located in the annotated Kelch motif (DECIPHER). (I) 0705 - No comparable missense variants have previous evidence for pathogenicity. (I) 0807 - This variant has no previous evidence of pathogenicity. (I) 0905 - No published segregation evidence has been identified for this variant. (I) 1007 - No published functional evidence has been identified for this variant. (I) 1102 - Strong phenotype match for this individual. (I) Legend: (SP) - Supporting pathogenic, (I) - Information, (SB) - Supporting benign

Literature cited by the submitters: PubMed 21828050; PubMed 30300710; PubMed 31953236.